The following is an entry in ClinVar:

ClinVar aggregate classification (germline): Uncertain significance (1 of 4 stars; one submission).

Conditions:
Immunodeficiency. Identifiers: MedGen C0021051, MONDO:0021094, HP:0002721.

Allele frequency attached by ClinVar (database versions not stated): TOPMed below 0.00001.

Submission:

Labcorp Genetics (formerly Invitae), Labcorp
Classification: Uncertain significance for Immunodeficiency. Last evaluated: 2023-08-22. Review status: criteria provided, single submitter. Criteria: Invitae Variant Classification Sherloc (09022015). Collection method: clinical testing. Allele origin: germline.
Comment: This sequence change affects codon 305 of the NFAT5 mRNA. It is a 'silent' change, meaning that it does not change the encoded amino acid sequence of the NFAT5 protein. It affects a nucleotide within the consensus splice site. This variant is present in population databases (rs767475443, gnomAD 0.006%). This variant has not been reported in the literature in individuals affected with NFAT5-related conditions. Algorithms developed to predict the effect of sequence changes on RNA splicing suggest that this variant is not likely to affect RNA splicing. In summary, the available evidence is currently insufficient to determine the role of this variant in disease. Therefore, it has been classified as a Variant of Uncertain Significance.

NM_138713.4(NFAT5):c.1197G>C (p.Ala399=)

Gene: NFAT5 (nuclear factor of activated T cells 5; plus strand). Cytogenetic location: 16q22.1.
Variant type: single nucleotide variant.
Coding change: c.1197G>C on transcript NM_138713.4 (MANE Select); coding-DNA position 1197, G replaced by C.
Protein change: p.Ala399=; no amino-acid change (alanine 399 retained).
Molecular consequence: synonymous variant.
Genome position (GRCh38, 1-based): chr16:69,659,727, G>C. VCF-style: chr16-69659727-G-C. GRCh37 (hg19) VCF-style: chr16-69693630-G-C.
Other names: c.1197G>C, p.Ala399= (NM_001113178.3); c.525G>C, p.Ala175= (NM_001367709.1); c.1143G>C, p.Ala381= (NM_006599.4); c.915G>C, p.Ala305= (NM_138714.4, NM_173214.3, NM_173215.3).
Identifiers: ClinVar variation 2989704 (VCV002989704.3), dbSNP rs767475443, ClinGen allele CA8135496.